The following is an entry in ClinVar:

NM_000535.7(PMS2):c.530T>C (p.Ile177Thr)

Gene: PMS2 (PMS1 homolog 2, mismatch repair system component; minus strand). Cytogenetic location: 7p22.1.
Variant type: single nucleotide variant.
Coding change: c.530T>C on transcript NM_000535.7 (MANE Select); coding-DNA position 530, T replaced by C.
Protein change: p.Ile177Thr; replaces isoleucine 177 with threonine.
Molecular consequence: missense variant. On other transcripts: 5 prime UTR variant (2), non-coding transcript variant (1).
Genome position (GRCh38, 1-based): chr7:6,002,460, A>G on the plus strand (T>C on the coding strand, the complement: PMS2 is on the minus strand). VCF-style: chr7-6002460-A-G. GRCh37 (hg19) VCF-style: chr7-6042091-A-G.
Other names: c.125T>C, p.Ile42Thr (NM_001322003.2, NM_001322004.2, NM_001322005.2 and 3 more transcripts); c.530T>C, p.Ile177Thr (NM_001322006.2, NM_001322014.2); c.212T>C, p.Ile71Thr (NM_001322007.2, NM_001322008.2); c.-355T>C (NM_001322011.2, NM_001322012.2); c.221T>C, p.Ile74Thr (NM_001322015.2); short protein forms I177T, I42T, I74T, I71T.
Identifiers: ClinVar variation 220437 (VCV000220437.8), dbSNP rs769312937, ClinGen allele CA348431.

ClinVar aggregate classification (germline): Uncertain significance (1 of 4 stars; one submission).

Conditions:
Hereditary nonpolyposis colorectal neoplasms. Identifiers: MedGen C0009405, MeSH D003123.

Submission:

Labcorp Genetics (formerly Invitae), Labcorp
Classification: Uncertain significance for Hereditary nonpolyposis colorectal neoplasms. Last evaluated: 2015-10-01. Review status: criteria provided, single submitter. Criteria: Invitae Variant Classification Sherloc (09022015). Collection method: clinical testing. Allele origin: germline.
Comment: In summary, this is a novel missense change with uncertain impact on protein function. It has been classified as a Variant of Uncertain Significance. Algorithms developed to predict the effect of missense changes on protein structure and function (SIFT, PolyPhen-2, Align-GVGD) all suggest that this variant is likely to be disruptive, but these predictions have not been confirmed by published functional studies. This variant is not present in population databases (ExAC no frequency) and has not been reported in the literature. This sequence change replaces isoleucine with threonine at codon 177 of the PMS2 protein (p.Ile177Thr). The isoleucine residue is moderately conserved and there is a moderate physicochemical difference between isoleucine and threonine.